The following is an entry in ClinVar:

NM_017617.5(NOTCH1):c.3700C>G (p.Arg1234Gly)

Gene: NOTCH1 (notch receptor 1; minus strand). Cytogenetic location: 9q34.3.
Variant type: single nucleotide variant.
Coding change: c.3700C>G on transcript NM_017617.5 (MANE Select); coding-DNA position 3700, C replaced by G.
Protein change: p.Arg1234Gly; replaces arginine 1234 with glycine.
Molecular consequence: missense variant.
Genome position (GRCh38, 1-based): chr9:136,506,917, G>C on the plus strand (C>G on the coding strand, the complement: NOTCH1 is on the minus strand). VCF-style: chr9-136506917-G-C. GRCh37 (hg19) VCF-style: chr9-139401369-G-C.
Other names: short protein forms R1234G.
Identifiers: ClinVar variation 3880468 (VCV003880468.1).

ClinVar aggregate classification (germline): Uncertain significance (1 of 4 stars; one submission).

Conditions:
Familial thoracic aortic aneurysm and aortic dissection (TAAD). Also called: Thoracic aortic aneurysms and dissections. Identifiers: Orphanet 91387, MedGen C4707243, MONDO:0019625.

gnomAD v4.1: 2 of 1,611,354 alleles (0.00012%); highest among the groups gnomAD compares: South Asian, 0.0011%; no homozygotes.

Submission:

Ambry Genetics
Classification: Uncertain significance for Familial thoracic aortic aneurysm and aortic dissection. Last evaluated: 2025-01-17. Review status: criteria provided, single submitter. Criteria: Ambry Variant Classification Scheme 2023. Collection method: clinical testing. Allele origin: germline.
Comment: The p.R1234G variant (also known as c.3700C>G), located in coding exon 23 of the NOTCH1 gene, results from a C to G substitution at nucleotide position 3700. The arginine at codon 1234 is replaced by glycine, an amino acid with dissimilar properties. This amino acid position is not well conserved in available vertebrate species. In addition, this alteration is predicted to be tolerated by in silico analysis. Based on the available evidence, the clinical significance of this variant remains unclear.